The following is an entry in ClinVar:

NM_000094.4(COL7A1):c.5471G>A (p.Gly1824Asp)

Gene: COL7A1 (collagen type VII alpha 1 chain; minus strand). Cytogenetic location: 3p21.31.
Variant type: single nucleotide variant.
Coding change: c.5471G>A on transcript NM_000094.4 (MANE Select); coding-DNA position 5471, G replaced by A.
Protein change: p.Gly1824Asp; replaces glycine 1824 with aspartic acid.
Molecular consequence: missense variant.
Genome position (GRCh38, 1-based): chr3:48,578,469, C>T on the plus strand (G>A on the coding strand, the complement: COL7A1 is on the minus strand). VCF-style: chr3-48578469-C-T. GRCh37 (hg19) VCF-style: chr3-48615902-C-T.
Other names: short protein forms G1824D.
Identifiers: ClinVar variation 4855214 (VCV004855214.1).

ClinVar aggregate classification (germline): Uncertain significance (1 of 4 stars; one submission).

Conditions:
COL7A1-related disorder. Also called: COL7A1- related disorders; COL7A1-related condition.

gnomAD v4.1: 1 of 1,612,910 alleles (0.000062%); highest among the groups gnomAD compares: Non-Finnish European, 0.000085%; no homozygotes.

Submission:

3billion
Classification: Uncertain significance for COL7A1-related disorder. Last evaluated: 2025-08-21. Review status: criteria provided, single submitter. Criteria: ACMG Guidelines, 2015. Collection method: clinical testing. Allele origin: germline. Affected: yes.
Comment: The variant is observed at an extremely low frequency in the gnomAD v4.1.0 dataset (total allele frequency: <0.001%). Predicted Consequence/Location: Missense variant In silico tool predictions suggest damaging effect of the variant on gene or gene product [REVEL: 0.82 (>=0.6, sensitivity 0.68 and specificity 0.92); 3Cnet: 0.92 (> 0.75, sensitivity 0.96 and precision 0.92)]. Different missense changes at the same codon have been reported as of uncertain significance (ClinVar ID: VCV002605368). Therefore, this variant is classified as VUS according to the recommendation of ACMG/AMP guideline.